The following is an entry in ClinVar:

ClinVar aggregate classification (germline): Uncertain significance (1 of 4 stars; one submission).

Conditions:
Ataxia-telangiectasia syndrome (AT). Also called: Ataxia telangiectasia (A-T); ATAXIA-TELANGIECTASIA, COMPLEMENTATION GROUP A; ATAXIA-TELANGIECTASIA, FRESNO VARIANT; Ataxia-telangiectasia; Ataxia-telangiectasia, complementation group E; LOUIS-BAR SYNDROME. Identifiers: Orphanet 100, MedGen C0004135, MONDO:0008840, OMIM 208900.

Submission:

Labcorp Genetics (formerly Invitae), Labcorp
Classification: Uncertain significance for Ataxia-telangiectasia syndrome. Last evaluated: 2020-10-10. Review status: criteria provided, single submitter. Criteria: Invitae Variant Classification Sherloc (09022015). Collection method: clinical testing. Allele origin: germline.
Comment: This sequence change falls in intron 56 of the ATM gene. It does not directly change the encoded amino acid sequence of the ATM protein, but it affects a nucleotide within the consensus splice site of the intron. This variant is not present in population databases (ExAC no frequency). This variant has not been reported in the literature in individuals with ATM-related conditions. Nucleotide substitutions within the consensus splice site are a relatively common cause of aberrant splicing (PMID: 17576681, 9536098). Algorithms developed to predict the effect of sequence changes on RNA splicing suggest that this variant may disrupt the consensus splice site, but this prediction has not been confirmed by published transcriptional studies. In summary, the available evidence is currently insufficient to determine the role of this variant in disease. Therefore, it has been classified as a Variant of Uncertain Significance.

Literature cited by the submitters: PubMed 17576681; PubMed 9536098.

NM_000051.4(ATM):c.8268+4A>G

Genes: ATM (ATM serine/threonine kinase; plus strand), C11orf65 (chromosome 11 open reading frame 65; minus strand). Cytogenetic location: 11q22.3.
Variant type: single nucleotide variant.
Coding change: c.8268+4A>G on transcript NM_000051.4 (MANE Select); 4 bases into the intron after coding-DNA position 8268, A replaced by G.
Molecular consequence: intron variant.
Genome position (GRCh38, 1-based): chr11:108,335,965, A>G. VCF-style: chr11-108335965-A-G. GRCh37 (hg19) VCF-style: chr11-108206692-A-G.
Other names: c.8268+4A>G (NM_001351834.2); c.641-26894T>C (NM_001330368.2); c.695-673T>C (NM_001351110.2).
Identifiers: ClinVar variation 1008300 (VCV001008300.7), dbSNP rs2086804691, ClinGen allele CA1998812824.